The following is an entry in ClinVar:

NM_153676.4(USH1C):c.650T>A (p.Val217Glu)

Gene: USH1C (USH1 protein network component harmonin; minus strand). Cytogenetic location: 11p15.1.
Variant type: single nucleotide variant.
Coding change: c.650T>A on transcript NM_153676.4 (MANE Select); coding-DNA position 650, T replaced by A.
Protein change: p.Val217Glu; replaces valine 217 with glutamic acid.
Molecular consequence: missense variant. On other transcripts: non-coding transcript variant (1).
Genome position (GRCh38, 1-based): chr11:17,526,371, A>T on the plus strand (T>A on the coding strand, the complement: USH1C is on the minus strand). VCF-style: chr11-17526371-A-T. GRCh37 (hg19) VCF-style: chr11-17547918-A-T.
Other names: c.650T>A, p.Val217Glu (NM_001297764.2, NM_005709.4); c.650T>A (NM_005709.3); short protein forms V217E.
Identifiers: ClinVar variation 2150067 (VCV002150067.3), dbSNP rs751387157, ClinGen allele CA5904935.

ClinVar aggregate classification (germline): Uncertain significance. Review status: criteria provided, multiple submitters, no conflicts (2 of 4 stars). 3 submissions from 3 submitters: Uncertain significance (3). Last evaluated 2024-09-12.

Allele frequency attached by ClinVar (database versions not stated): ExAC 0.00003; gnomAD 0.00004; gnomAD exomes 0.00005.
gnomAD v4.1: 76 of 1,613,866 alleles (0.0047%); highest among the groups gnomAD compares: Non-Finnish European, 0.0062%; no homozygotes.

Submissions (3):

GeneDx
Classification: Uncertain significance. Last evaluated: 2024-09-12. Review status: criteria provided, single submitter. Criteria: GeneDx Variant Classification Process June 2021. Collection method: clinical testing. Allele origin: germline. Affected: yes.
Comment: In silico analysis supports that this missense variant has a deleterious effect on protein structure/function; Has not been previously published as pathogenic or benign to our knowledge

Labcorp Genetics (formerly Invitae), Labcorp
Classification: Uncertain significance. Last evaluated: 2022-07-08. Review status: criteria provided, single submitter. Criteria: Invitae Variant Classification Sherloc (09022015). Collection method: clinical testing. Allele origin: germline.
Comment: This sequence change replaces valine, which is neutral and non-polar, with glutamic acid, which is acidic and polar, at codon 217 of the USH1C protein (p.Val217Glu). This variant is present in population databases (rs751387157, gnomAD 0.009%). This variant has not been reported in the literature in individuals affected with USH1C-related conditions. Algorithms developed to predict the effect of missense changes on protein structure and function are either unavailable or do not agree on the potential impact of this missense change (SIFT: "Deleterious"; PolyPhen-2: "Benign"; Align-GVGD: "Class C15"). Algorithms developed to predict the effect of sequence changes on RNA splicing suggest that this variant may disrupt the consensus splice site. In summary, the available evidence is currently insufficient to determine the role of this variant in disease. Therefore, it has been classified as a Variant of Uncertain Significance.

Blueprint Genetics
Classification: Uncertain significance. Last evaluated: 2020-08-07. Review status: criteria provided, single submitter. Criteria: ACMG Guidelines, 2015. Collection method: clinical testing. Allele origin: germline.